The following is an entry in ClinVar:

ClinVar aggregate classification (germline): Uncertain significance. Review status: criteria provided, multiple submitters, no conflicts (2 of 4 stars). 2 submissions from 2 submitters: Uncertain significance (2). Last evaluated 2021-09-01.

Conditions:
Parkinsonism-dystonia, infantile. Identifiers: Orphanet 238455, MedGen C2751067, MONDO:0013150.
Classic dopamine transporter deficiency syndrome (PKDYS1). Also called: Parkinsonism-dystonia, infantile, 1; DOPAMINE TRANSPORTER DEFICIENCY SYNDROME. Identifiers: Orphanet 238455, MedGen C5700336, MONDO:0054835, OMIM 613135.

Allele frequency attached by ClinVar (database versions not stated): gnomAD exomes 0.00002; ExAC 0.00003; gnomAD 0.00003; TOPMed 0.00003.
gnomAD v4.1: 41 of 1,612,808 alleles (0.0025%); highest among the groups gnomAD compares: South Asian, 0.0055%; no homozygotes.

Submissions (2):

Labcorp Genetics (formerly Invitae), Labcorp
Classification: Uncertain significance for Parkinsonism-dystonia, infantile. Last evaluated: 2021-09-01. Review status: criteria provided, single submitter. Criteria: Invitae Variant Classification Sherloc (09022015). Collection method: clinical testing. Allele origin: germline.
Comment: This sequence change replaces threonine with methionine at codon 356 of the SLC6A3 protein (p.Thr356Met). The threonine residue is highly conserved and there is a moderate physicochemical difference between threonine and methionine. This variant is present in population databases (rs577802449, ExAC 0.01%). This missense change has been observed in individual(s) with autism spectrum disorder (PMID: 22495311, 23979605). ClinVar contains an entry for this variant (Variation ID: 634445). Algorithms developed to predict the effect of missense changes on protein structure and function (SIFT, PolyPhen-2, Align-GVGD) all suggest that this variant is likely to be disruptive. Experimental studies have shown that this missense change affects SLC6A3 function (PMID: 23979605, 25741436, 29559554). In summary, the available evidence is currently insufficient to determine the role of this variant in disease. Therefore, it has been classified as a Variant of Uncertain Significance.

Genomic Research Center, Shahid Beheshti University of Medical Sciences
Classification: Uncertain significance for Infantile Parkinsonism-dystonia. Last evaluated: 2019-01-01. Review status: criteria provided, single submitter. Criteria: ACMG Guidelines, 2015. Collection method: clinical testing. Allele origin: unknown. Affected: no. Observed: 1 variant allele.

Literature cited by the submitters: PubMed 22495311 (cited by Labcorp Genetics (formerly Invitae), Labcorp); PubMed 23979605 (cited by Labcorp Genetics (formerly Invitae), Labcorp); PubMed 25741436 (cited by Labcorp Genetics (formerly Invitae), Labcorp); PubMed 29559554 (cited by Labcorp Genetics (formerly Invitae), Labcorp).

NM_001044.5(SLC6A3):c.1067C>T (p.Thr356Met)

Gene: SLC6A3 (solute carrier family 6 member 3). Cytogenetic location: 5p15.33.
Variant type: single nucleotide variant.
Coding change: c.1067C>T on transcript NM_001044.5 (MANE Select); coding-DNA position 1067, C replaced by T.
Protein change: p.Thr356Met; replaces threonine 356 with methionine.
Molecular consequence: missense variant.
Genome position (GRCh38, 1-based): chr5:1,414,780, G>A on the plus strand (C>T on the coding strand, the complement: SLC6A3 is on the minus strand). VCF-style: chr5-1414780-G-A. GRCh37 (hg19) VCF-style: chr5-1414895-G-A.
Other names: short protein forms T356M.
Identifiers: ClinVar variation 634445 (VCV000634445.11), dbSNP rs577802449, ClinGen allele CA3186167.